The following is an entry in ClinVar:

ClinVar aggregate classification (germline): Pathogenic (1 of 4 stars; one submission).

Allele frequency attached by ClinVar (database versions not stated): ExAC 0.00001; gnomAD exomes 0.00001.
gnomAD v4.1: 8 of 1,614,010 alleles (0.0005%); highest among the groups gnomAD compares: South Asian, 0.0033%; no homozygotes.

Submission:

Labcorp Genetics (formerly Invitae), Labcorp
Classification: Pathogenic. Last evaluated: 2023-08-10. Review status: criteria provided, single submitter. Criteria: Invitae Variant Classification Sherloc (09022015). Collection method: clinical testing. Allele origin: germline.
Comment: For these reasons, this variant has been classified as Pathogenic. This variant has not been reported in the literature in individuals affected with FREM2-related conditions. This variant is present in population databases (rs761934962, gnomAD 0.006%). This sequence change creates a premature translational stop signal (p.Arg1162*) in the FREM2 gene. It is expected to result in an absent or disrupted protein product. Loss-of-function variants in FREM2 are known to be pathogenic (PMID: 18203166, 26552811).

Literature cited by the submitters: PubMed 18203166; PubMed 26552811.

NM_207361.6(FREM2):c.3484C>T (p.Arg1162Ter)

Gene: FREM2 (FRAS1 related extracellular matrix 2; plus strand). Cytogenetic location: 13q13.3.
Variant type: single nucleotide variant.
Coding change: c.3484C>T on transcript NM_207361.6 (MANE Select); coding-DNA position 3484, C replaced by T.
Protein change: p.Arg1162Ter; replaces arginine 1162 with a stop codon.
Molecular consequence: nonsense.
Genome position (GRCh38, 1-based): chr13:38,690,828, C>T. VCF-style: chr13-38690828-C-T. GRCh37 (hg19) VCF-style: chr13-39264965-C-T.
Other names: short protein forms R1162*.
Identifiers: ClinVar variation 3005434 (VCV003005434.3), dbSNP rs761934962, ClinGen allele CA6954798.